The following is an entry in ClinVar:

GRCh38/hg38 15q11.2(chr15:22655582-23066575)x1

Genes: CYFIP1 (cytoplasmic FMR1 interacting protein 1; minus strand), NIPA1 (NIPA magnesium transporter 1; plus strand), NIPA2 (NIPA magnesium transporter 2; plus strand), TUBGCP5 (tubulin gamma complex component 5; minus strand), LOC112272575 (Sharpr-MPRA regulatory region 8478; plus strand) and 15 more. Cytogenetic location: 15q11.2.
Variant type: copy number loss.
Change: copy number 1 (one copy instead of two) of chr15:22,655,582-23,066,575 (411.0 kb, GRCh38 coordinates, 1-based), cytogenetic band 15q11.2.
Identifiers: ClinVar variation 32488 (VCV000032488.4).

ClinVar aggregate classification (germline): Conflicting classifications of pathogenicity. Review status: no assertion criteria provided (0 of 4 stars). 2 submissions from 2 submitters: Likely pathogenic (1); conflicting data from submitters (1). Last evaluated 2014-07-18.

Submissions (2):

ISCA site 1
Classification: conflicting data from submitters. Last evaluated: 2014-07-18. Review status: no assertion criteria provided. Collection method: clinical testing. Allele origin: paternal, maternal, unknown, biparental. Affected: yes. Observed: 14 variant alleles. Clinical features observed: Developmental delay AND/OR other significant developmental or morphological phenotypes, Delayed speech and language development (HP:0000750), Global developmental delay (HP:0001263), Hemihypertrophy (HP:0001528), Subaortic stenosis (HP:0001682), Abnormal facial shape (HP:0001999), Micrognathia (HP:0000347), Heart murmur (HP:0030148), Anxiety (HP:0000739), Short stature (HP:0004322), Autistic behavior (HP:0000729), Asplenia (HP:0001746), and 7 more.
Comment: Uncertain significance(13), Likely benign (1)

Copy number variation identified through the course of routine clinical cytogenomic testing in postnatal populations, with clinical assertions as classified by the original submitter. For data from the original published study, Kaminsky, et al. 2011 (PubMed 21844811), please see nstd101.

ISCA site 14
Classification: Likely pathogenic. Review status: no assertion criteria provided. Collection method: clinical testing. Allele origin: unknown. Affected: yes. Observed: 1 variant allele.